The following is an entry in ClinVar:

NM_015425.6(POLR1A):c.2261A>G (p.Tyr754Cys)

Gene: POLR1A (RNA polymerase I subunit A; minus strand). Cytogenetic location: 2p11.2.
Variant type: single nucleotide variant.
Coding change: c.2261A>G on transcript NM_015425.6 (MANE Select); coding-DNA position 2261, A replaced by G.
Protein change: p.Tyr754Cys; replaces tyrosine 754 with cysteine.
Molecular consequence: missense variant.
Genome position (GRCh38, 1-based): chr2:86,052,948, T>C on the plus strand (A>G on the coding strand, the complement: POLR1A is on the minus strand). VCF-style: chr2-86052948-T-C. GRCh37 (hg19) VCF-style: chr2-86280071-T-C.
Other names: short protein forms Y754C.
Identifiers: ClinVar variation 2876497 (VCV002876497.3), dbSNP rs1343102784, ClinGen allele CA347542672.

ClinVar aggregate classification (germline): Uncertain significance (1 of 4 stars; one submission).

Allele frequency attached by ClinVar (database versions not stated): gnomAD exomes below 0.00001; TOPMed below 0.00001; gnomAD 0.00001.
gnomAD v4.1: 6 of 1,608,490 alleles (0.00037%); highest among the groups gnomAD compares: South Asian, 0.0033%; no homozygotes.

Submission:

Labcorp Genetics (formerly Invitae), Labcorp
Classification: Uncertain significance. Last evaluated: 2023-05-12. Review status: criteria provided, single submitter. Criteria: Invitae Variant Classification Sherloc (09022015). Collection method: clinical testing. Allele origin: germline.
Comment: This variant is present in population databases (no rsID available, gnomAD 0.007%). This variant has not been reported in the literature in individuals affected with POLR1A-related conditions. Advanced modeling of protein sequence and biophysical properties (such as structural, functional, and spatial information, amino acid conservation, physicochemical variation, residue mobility, and thermodynamic stability) performed at Invitae indicates that this missense variant is expected to disrupt POLR1A protein function. In summary, the available evidence is currently insufficient to determine the role of this variant in disease. Therefore, it has been classified as a Variant of Uncertain Significance. This sequence change replaces tyrosine, which is neutral and polar, with cysteine, which is neutral and slightly polar, at codon 754 of the POLR1A protein (p.Tyr754Cys).